The following is an entry in ClinVar:

ClinVar aggregate classification (germline): Conflicting classifications of pathogenicity. Review status: criteria provided, conflicting classifications (1 of 4 stars). 2 submissions from 2 submitters: Uncertain significance (1); Likely benign (1). Last evaluated 2023-03-23.

Conditions:
Hereditary cancer-predisposing syndrome. Also called: Hereditary neoplastic syndrome; Neoplastic Syndromes, Hereditary; Tumor predisposition; Hereditary Cancer Syndrome. Identifiers: Orphanet 140162, MedGen C0027672, MeSH D009386, MONDO:0015356.
Hereditary breast ovarian cancer syndrome. Also called: Hereditary breast and ovarian cancer syndrome; BRCA1- and BRCA2-Associated Hereditary Breast and Ovarian Cancer; Hereditary breast and ovarian cancer syndrome (HBOC); Hereditary breast and/or ovarian cancer syndrome; Breast and ovarian cancer; Hereditary breast and ovarian cancer. Identifiers: Orphanet 145, MedGen C0677776, MeSH D061325, MONDO:0003582. Disease mechanism: loss of function.

Submissions (2):

University of Washington Department of Laboratory Medicine, University of Washington
Classification: Likely benign for Hereditary cancer-predisposing syndrome. Last evaluated: 2023-03-23. Review status: criteria provided, single submitter. Criteria: Dines et al. (Genet Med. 2020). Collection method: curation. Allele origin: germline.
Comment: Missense variant in a coldspot region where missense variants are very unlikely to be pathogenic (PMID:31911673).

BRCA1 coldspot (exon 11 using historical exon numbering). Reclassification based on statistical prior probability

Genetics Program, Instituto Nacional de Cancer
Classification: Uncertain significance for Hereditary breast ovarian cancer syndrome. Last evaluated: 2021-11-01. Review status: criteria provided, single submitter. Criteria: ACMG Guidelines, 2015. Collection method: research. Allele origin: germline. Affected: yes.

Literature cited by the submitters: PubMed 36329109 (cited by Genetics Program, Instituto Nacional de Cancer).

NM_007294.4(BRCA1):c.3637G>A (p.Glu1213Lys)

Genes: BRCA1 (BRCA1 DNA repair associated; minus strand), LOC126862571 (BRD4-independent group 4 enhancer GRCh37_chr17:41243136-41244335; plus strand). Cytogenetic location: 17q21.31.
Variant type: single nucleotide variant.
Coding change: c.3637G>A on transcript NM_007294.4 (MANE Select); coding-DNA position 3637, G replaced by A.
Protein change: p.Glu1213Lys; replaces glutamic acid 1213 with lysine.
Molecular consequence: missense variant. On other transcripts: intron variant (135).
Genome position (GRCh38, 1-based): chr17:43,091,894, C>T on the plus strand (G>A on the coding strand, the complement: BRCA1 is on the minus strand). VCF-style: chr17-43091894-C-T. GRCh37 (hg19) VCF-style: chr17-41243911-C-T.
Other names: c.647-862G>A (NM_001408455.1, NM_001408466.1, NM_001408452.1 and 11 more transcripts); c.578-862G>A (NM_001408513.1, NM_001408489.1, NM_001408479.1 and 9 more transcripts); c.521-862G>A (NM_001408503.1, NM_001408505.1, NM_001408504.1); c.524-862G>A (NM_001408500.1, NM_001408497.1, NM_001408496.1 and 3 more transcripts); c.788-862G>A (NM_001407973.1, NM_001408403.1, NM_001407983.1 and 17 more transcripts); c.404-862G>A (NM_001408511.1); c.461-862G>A (NM_001408507.1, NM_001408506.1); c.545-862G>A (NM_001408495.1); and 41 more; short protein forms E1166K, E1213K, E1045K, E1124K, E1143K, E1145K, E1171K, E1086K.
Identifiers: ClinVar variation 1684258 (VCV001684258.4), dbSNP rs1135401864, ClinGen allele CA10594696.